The following is an entry in ClinVar:

NM_000291.4(PGK1):c.1213+80A>G

Gene: PGK1 (phosphoglycerate kinase 1; plus strand). Cytogenetic location: Xq21.1.
Variant type: single nucleotide variant.
Coding change: c.1213+80A>G on transcript NM_000291.4 (MANE Select); 80 bases into the intron after coding-DNA position 1213, A replaced by G.
Molecular consequence: intron variant.
Genome position (GRCh38, 1-based): chrX:78,125,505, A>G. VCF-style: chrX-78125505-A-G. GRCh37 (hg19) VCF-style: chrX-77381002-A-G.
Other names: NC_000023.10:g.77381002A>G.
Identifiers: ClinVar variation 667850 (VCV000667850.3), dbSNP rs2073177, ClinGen allele CA16007258.

ClinVar aggregate classification (germline): Benign. Review status: criteria provided, multiple submitters, no conflicts (2 of 4 stars). 2 submissions from 2 submitters: Benign (2). Last evaluated 2018-06-19.

Allele frequency attached by ClinVar (database versions not stated): gnomAD exomes 0.24777; gnomAD 0.26857 and 0.27086; TOPMed 0.28676; 1000 Genomes Project 30x 0.34360; 1000 Genomes Project 0.34649.
gnomAD v4.1: 168,394 of 669,690 alleles (25%); highest among the groups gnomAD compares: East Asian, 41%; 15,229 homozygotes.

Submissions (7):

GeneDx
Classification: Benign. Last evaluated: 2018-06-19. Review status: criteria provided, single submitter. Criteria: GeneDx Variant Classification (06012015). Collection method: clinical testing. Allele origin: germline. Affected: yes.
Comment: This variant is considered likely benign or benign based on one or more of the following criteria: it is a conservative change, it occurs at a poorly conserved position in the protein, it is predicted to be benign by multiple in silico algorithms, and/or has population frequency not consistent with disease.

Breakthrough Genomics
Classification: Benign. Review status: criteria provided, single submitter. Criteria: ACMG Guidelines, 2015. Collection method: not provided. Allele origin: germline. Inheritance: X-linked inheritance. Affected: yes.

Dr. Peter K. Rogan Lab, Western University
No classification provided (evidence only). Condition: Malignant lymphoma, large B-cell, diffuse. Review status: no classification provided. Collection method: in vitro. Allele origin: not applicable. Functional consequence: retained intron. Not counted in ClinVar's aggregate classification.

Dr. Peter K. Rogan Lab, Western University
No classification provided (evidence only). Condition: Malignant lymphoma, large B-cell, diffuse. Review status: no classification provided. Collection method: in vitro. Allele origin: not applicable. Functional consequence: retained intron. Not counted in ClinVar's aggregate classification.

Dr. Peter K. Rogan Lab, Western University
No classification provided (evidence only). Condition: Malignant lymphoma, large B-cell, diffuse. Review status: no classification provided. Collection method: in vitro. Allele origin: not applicable. Functional consequence: retained intron. Not counted in ClinVar's aggregate classification.

Dr. Peter K. Rogan Lab, Western University
No classification provided (evidence only). Condition: Malignant lymphoma, large B-cell, diffuse. Review status: no classification provided. Collection method: in vitro. Allele origin: not applicable. Functional consequence: retained intron. Not counted in ClinVar's aggregate classification.

Dr. Peter K. Rogan Lab, Western University
No classification provided (evidence only). Condition: Uveal melanoma. Review status: no classification provided. Collection method: in vitro. Allele origin: not applicable. Functional consequence: retained intron. Not counted in ClinVar's aggregate classification.